The following is an entry in ClinVar:

NM_005807.6(PRG4):c.978A>G (p.Lys326=)

Gene: PRG4 (proteoglycan 4; plus strand). Cytogenetic location: 1q31.1.
Variant type: single nucleotide variant.
Coding change: c.978A>G on transcript NM_005807.6 (MANE Select); coding-DNA position 978, A replaced by G.
Protein change: p.Lys326=; no amino-acid change (lysine 326 retained).
Molecular consequence: synonymous variant.
Genome position (GRCh38, 1-based): chr1:186,306,697, A>G. VCF-style: chr1-186306697-A-G. GRCh37 (hg19) VCF-style: chr1-186275829-A-G.
Other names: c.855A>G, p.Lys285= (NM_001127708.3); c.699A>G, p.Lys233= (NM_001127709.3); c.576A>G, p.Lys192= (NM_001127710.3); c.849A>G, p.Lys283= (NM_001303232.2).
Identifiers: ClinVar variation 2639651 (VCV002639651.24), dbSNP rs183587223, ClinGen allele CA1295989.

ClinVar aggregate classification (germline): Likely benign (1 of 4 stars; one submission).

Allele frequency attached by ClinVar (database versions not stated): TOPMed below 0.00001; ExAC 0.00001; gnomAD exomes 0.00001; gnomAD 0.00003; 1000 Genomes Project 30x 0.00031; 1000 Genomes Project 0.00040.
gnomAD v4.1: 17 of 1,613,744 alleles (0.0011%); highest among the groups gnomAD compares: Admixed American, 0.012%; no homozygotes.

Submission:

CeGaT Center for Human Genetics Tuebingen
Classification: Likely benign. Last evaluated: 2022-05-01. Review status: criteria provided, single submitter. Criteria: CeGaT Center For Human Genetics Tuebingen Variant Classification Criteria Version 2. Collection method: clinical testing. Allele origin: germline. Affected: yes. Observed: 1 variant allele.
Comment: PRG4: BP4, BP7